The following is an entry in ClinVar:

NM_019892.6(INPP5E):c.741C>T (p.Asp247=)

Gene: INPP5E (inositol polyphosphate-5-phosphatase E; minus strand). Cytogenetic location: 9q34.3.
Variant type: single nucleotide variant.
Coding change: c.741C>T on transcript NM_019892.6 (MANE Select); coding-DNA position 741, C replaced by T.
Protein change: p.Asp247=; no amino-acid change (aspartic acid 247 retained).
Molecular consequence: synonymous variant.
Genome position (GRCh38, 1-based): chr9:136,438,679, G>A on the plus strand (C>T on the coding strand, the complement: INPP5E is on the minus strand). VCF-style: chr9-136438679-G-A. GRCh37 (hg19) VCF-style: chr9-139333131-G-A.
Other names: c.741C>T, p.Asp247= (NM_001318502.2); c.741C>T (NM_019892.5).
Identifiers: ClinVar variation 1093448 (VCV001093448.10), dbSNP rs1416206447, ClinGen allele CA467722593.

ClinVar aggregate classification (germline): Likely benign. Review status: criteria provided, single submitter (1 of 4 stars). 2 submissions from 2 submitters: Likely benign (1). 1 of the submissions does not count toward it. Last evaluated 2024-03-11.

Conditions:
INPP5E-related disorder. Also called: INPP5E-related condition.
Joubert syndrome. Also called: CEREBELLOPARENCHYMAL DISORDER IV; JOUBERT-BOLTSHAUSER SYNDROME; Familial aplasia of the vermis. Identifiers: Orphanet 475, MedGen C5979921, MONDO:0018772.

Allele frequency attached by ClinVar (database versions not stated): TOPMed 0.00001; gnomAD exomes below 0.00001 and 0.00001; gnomAD 0.00001.
gnomAD v4.1: 8 of 1,595,748 alleles (0.0005%); highest among the groups gnomAD compares: Non-Finnish European, 0.00068%; no homozygotes.

Submissions (2):

Labcorp Genetics (formerly Invitae), Labcorp
Classification: Likely benign for Joubert syndrome. Last evaluated: 2024-03-11. Review status: criteria provided, single submitter. Criteria: Invitae Variant Classification Sherloc (09022015). Collection method: clinical testing. Allele origin: germline.

PreventionGenetics, part of Exact Sciences
Classification: Likely benign for INPP5E-related condition. Last evaluated: 2022-10-19. Review status: no assertion criteria provided. Collection method: clinical testing. Allele origin: germline. Not counted in ClinVar's aggregate classification.
Comment: This variant is classified as likely benign based on ACMG/AMP sequence variant interpretation guidelines (Richards et al. 2015 PMID: 25741868, with internal and published modifications).